The following is an entry in ClinVar:

NM_001401501.2(MUC16):c.37320C>A (p.Pro12440=)

Gene: MUC16 (mucin 16, cell surface associated; minus strand). Cytogenetic location: 19p13.2.
Variant type: single nucleotide variant.
Coding change: c.37320C>A on transcript NM_001401501.2 (MANE Select); coding-DNA position 37320, C replaced by A.
Protein change: p.Pro12440=; no amino-acid change (proline 12440 retained).
Molecular consequence: synonymous variant.
Genome position (GRCh38, 1-based): chr19:8,913,462, G>T on the plus strand (C>A on the coding strand, the complement: MUC16 is on the minus strand). VCF-style: chr19-8913462-G-T. GRCh37 (hg19) VCF-style: chr19-9024138-G-T.
Other names: c.37746C>A, p.Pro12582= (NM_001414686.1); c.37200C>A, p.Pro12400= (NM_001414687.1); c.37134C>A, p.Pro12378= (NM_024690.2).
Identifiers: ClinVar variation 3033816 (VCV003033816.2), dbSNP rs984769373, ClinGen allele CA305032482.

ClinVar aggregate classification (germline): Likely benign (0 of 4 stars; one submission).

Conditions:
MUC16-related disorder. Also called: MUC16-related condition.

Allele frequency attached by ClinVar (database versions not stated): 1000 Genomes Project 30x 0.00016; gnomAD 0.00017.

Submission:

PreventionGenetics, part of Exact Sciences
Classification: Likely benign for MUC16-related condition. Last evaluated: 2019-02-20. Review status: no assertion criteria provided. Collection method: clinical testing. Allele origin: germline.
Comment: This variant is classified as likely benign based on ACMG/AMP sequence variant interpretation guidelines (Richards et al. 2015 PMID: 25741868, with internal and published modifications).